The following is an entry in ClinVar:

ClinVar aggregate classification (germline): Likely benign. Review status: criteria provided, single submitter (1 of 4 stars). 2 submissions from 1 submitter: Likely benign (2). Last evaluated 2018-01-13.

Conditions:
Cranioectodermal dysplasia 2 (CED2). Identifiers: Orphanet 1515, MedGen C3150874, MONDO:0013323, OMIM 613610.
Short-rib thoracic dysplasia 7 with or without polydactyly (SRTD7). Also called: Short rib polydactyly syndrome 5; SHORT-RIB THORACIC DYSPLASIA 7 WITH POLYDACTYLY. Identifiers: Orphanet 498497, Orphanet 93271, MedGen C3279792, MONDO:0013569, OMIM 614091.

Allele frequency attached by ClinVar (database versions not stated): 1000 Genomes Project 0.00319; 1000 Genomes Project 30x 0.00328; TOPMed 0.00512; gnomAD 0.00520 and 0.00530; gnomAD exomes 0.01031.
gnomAD v4.1: 789 of 152,742 alleles (0.52%); highest among the groups gnomAD compares: Admixed American, 1%; 2 homozygotes.

Submissions (2):

Illumina Laboratory Services, Illumina
Classification: Likely benign for Short-rib thoracic dysplasia 7 with or without polydactyly. Last evaluated: 2018-01-13. Review status: criteria provided, single submitter. Criteria: ICSL Variant Classification Criteria 13 December 2019. Collection method: clinical testing. Allele origin: germline.
Comment: This variant was observed in the ICSL laboratory as part of a predisposition screen in an ostensibly healthy population. It had not been previously curated by ICSL or reported in the Human Gene Mutation Database (HGMD: prior to June 1st, 2018), and was therefore a candidate for classification through an automated scoring system. Utilizing variant allele frequency, disease prevalence and penetrance estimates, and inheritance mode, an automated score was calculated to assess if this variant is too frequent to cause the disease. Based on the score and internal cut-off values, a variant classified as likely benign is not then subjected to further curation. The score for this variant resulted in a classification of likely benign for this disease.

Illumina Laboratory Services, Illumina
Classification: Likely benign for Cranioectodermal dysplasia 2. Last evaluated: 2018-01-13. Review status: criteria provided, single submitter. Criteria: ICSL Variant Classification Criteria 13 December 2019. Collection method: clinical testing. Allele origin: germline.
Comment: the same text as in the submission from Illumina Laboratory Services, Illumina above.

NM_020779.4(WDR35):c.*531T>A

Gene: WDR35 (WD repeat domain 35; minus strand). Cytogenetic location: 2p24.1.
Variant type: single nucleotide variant.
Coding change: c.*531T>A on transcript NM_020779.4 (MANE Select); 531 bases downstream of the stop codon, T replaced by A.
Molecular consequence: 3 prime UTR variant.
Genome position (GRCh38, 1-based): chr2:19,913,027, A>T on the plus strand (T>A on the coding strand, the complement: WDR35 is on the minus strand). VCF-style: chr2-19913027-A-T. GRCh37 (hg19) VCF-style: chr2-20112788-A-T.
Other names: c.*531T>A (NM_001006657.2).
Identifiers: ClinVar variation 333364 (VCV000333364.5), dbSNP rs187092318, ClinGen allele CA10611908.